The following is an entry in ClinVar:

ClinVar aggregate classification (germline): Uncertain significance (1 of 4 stars; one submission).

Conditions:
Glycine encephalopathy. Also called: Nonketotic hyperglycinemia; Non-ketotic hyperglycinemia. Identifiers: Orphanet 407, MedGen C0751748, MONDO:0011612, HP:0008288.

Allele frequency attached by ClinVar (database versions not stated): TOPMed below 0.00001; gnomAD exomes 0.00001 and 0.00002; ExAC 0.00002.
gnomAD v4.1: 4 of 1,613,770 alleles (0.00025%); highest among the groups gnomAD compares: Middle Eastern, 0.017%; no homozygotes.

Submission:

Labcorp Genetics (formerly Invitae), Labcorp
Classification: Uncertain significance for Glycine encephalopathy. Last evaluated: 2022-09-27. Review status: criteria provided, single submitter. Criteria: Invitae Variant Classification Sherloc (09022015). Collection method: clinical testing. Allele origin: germline.
Comment: In summary, the available evidence is currently insufficient to determine the role of this variant in disease. Therefore, it has been classified as a Variant of Uncertain Significance. Advanced modeling of protein sequence and biophysical properties (such as structural, functional, and spatial information, amino acid conservation, physicochemical variation, residue mobility, and thermodynamic stability) performed at Invitae indicates that this missense variant is not expected to disrupt GLDC protein function. ClinVar contains an entry for this variant (Variation ID: 1402235). This variant has not been reported in the literature in individuals affected with GLDC-related conditions. This variant is present in population databases (rs766114667, gnomAD 0.02%). This sequence change replaces methionine, which is neutral and non-polar, with threonine, which is neutral and polar, at codon 252 of the GLDC protein (p.Met252Thr).

NM_000170.3(GLDC):c.755T>C (p.Met252Thr)

Gene: GLDC (glycine decarboxylase; minus strand). Cytogenetic location: 9p24.1.
Variant type: single nucleotide variant.
Coding change: c.755T>C on transcript NM_000170.3 (MANE Select); coding-DNA position 755, T replaced by C.
Protein change: p.Met252Thr; replaces methionine 252 with threonine.
Molecular consequence: missense variant.
Genome position (GRCh38, 1-based): chr9:6,605,237, A>G on the plus strand (T>C on the coding strand, the complement: GLDC is on the minus strand). VCF-style: chr9-6605237-A-G. GRCh37 (hg19) VCF-style: chr9-6605237-A-G.
Other names: short protein forms M252T.
Identifiers: ClinVar variation 1402235 (VCV001402235.6), dbSNP rs766114667, ClinGen allele CA4980991.